The following is an entry in ClinVar:

ClinVar aggregate classification (germline): Uncertain significance (1 of 4 stars; one submission).

Allele frequency attached by ClinVar (database versions not stated): gnomAD exomes 0.00013; ExAC 0.00016; TOPMed 0.00017; ESP Exome Variant Server 0.00025.

Submission:

Labcorp Genetics (formerly Invitae), Labcorp
Classification: Uncertain significance. Last evaluated: 2023-10-13. Review status: criteria provided, single submitter. Criteria: Invitae Variant Classification Sherloc (09022015). Collection method: clinical testing. Allele origin: germline.
Comment: This sequence change replaces arginine, which is basic and polar, with glutamine, which is neutral and polar, at codon 139 of the CARMIL2 protein (p.Arg139Gln). This variant is present in population databases (rs201619990, gnomAD 0.02%). This variant has not been reported in the literature in individuals affected with CARMIL2-related conditions. ClinVar contains an entry for this variant (Variation ID: 1363054). Advanced modeling of protein sequence and biophysical properties (such as structural, functional, and spatial information, amino acid conservation, physicochemical variation, residue mobility, and thermodynamic stability) performed at Invitae indicates that this missense variant is not expected to disrupt CARMIL2 protein function. In summary, the available evidence is currently insufficient to determine the role of this variant in disease. Therefore, it has been classified as a Variant of Uncertain Significance.

NM_001013838.3(CARMIL2):c.416G>A (p.Arg139Gln)

Gene: CARMIL2 (capping protein regulator and myosin 1 linker 2; plus strand). Cytogenetic location: 16q22.1.
Variant type: single nucleotide variant.
Coding change: c.416G>A on transcript NM_001013838.3 (MANE Select); coding-DNA position 416, G replaced by A.
Protein change: p.Arg139Gln; replaces arginine 139 with glutamine.
Molecular consequence: missense variant.
Genome position (GRCh38, 1-based): chr16:67,646,467, G>A. VCF-style: chr16-67646467-G-A. GRCh37 (hg19) VCF-style: chr16-67680370-G-A.
Other names: c.416G>A, p.Arg139Gln (NM_001317026.3); short protein forms R139Q.
Identifiers: ClinVar variation 1363054 (VCV001363054.4), dbSNP rs201619990, ClinGen allele CA8113058.
Genomic context (GRCh38, chr16:67,646,467, plus strand): 5'-CTCCTTAACCCCCTACCAGGAAGCTATTCCGGAGGCCCACACCAGCCTCCATGCTGGCTC[G>A]GCTGGAGAGAAGCAGCCCCTCGGAGTCCACTGACCCCTGCAGCCCCTGTGGTAAGGGTGA-3'
Protein context (NP_001013860.1, residues 129-149): RRPTPASMLA[Arg139Gln]LERSSPSEST